The following is an entry in ClinVar:

ClinVar aggregate classification (germline): Uncertain significance (1 of 4 stars; one submission).

Allele frequency attached by ClinVar (database versions not stated): gnomAD exomes below 0.00001; gnomAD 0.00001.
gnomAD v4.1: 2 of 1,614,054 alleles (0.00012%); highest among the groups gnomAD compares: East Asian, 0.0022%; no homozygotes.

Submission:

Labcorp Genetics (formerly Invitae), Labcorp
Classification: Uncertain significance. Last evaluated: 2025-09-20. Review status: criteria provided, single submitter. Criteria: Invitae Variant Classification Sherloc (09022015). Collection method: clinical testing. Allele origin: germline.
Comment: This sequence change replaces proline, which is neutral and non-polar, with leucine, which is neutral and non-polar, at codon 18 of the TCF20 protein (p.Pro18Leu). This variant is present in population databases (no rsID available, gnomAD 0.005%). This variant has not been reported in the literature in individuals affected with TCF20-related conditions. ClinVar contains an entry for this variant (Variation ID: 1930830). An algorithm developed to predict the effect of missense changes on protein structure and function (PolyPhen-2) suggests that this variant is likely to be tolerated. In summary, the available evidence is currently insufficient to determine the role of this variant in disease. Therefore, it has been classified as a Variant of Uncertain Significance.

NM_001378418.1(TCF20):c.53C>T (p.Pro18Leu)

Gene: TCF20 (transcription factor 20; minus strand). Cytogenetic location: 22q13.2.
Variant type: single nucleotide variant.
Coding change: c.53C>T on transcript NM_001378418.1 (MANE Select); coding-DNA position 53, C replaced by T.
Protein change: p.Pro18Leu; replaces proline 18 with leucine.
Molecular consequence: missense variant.
Genome position (GRCh38, 1-based): chr22:42,215,253, G>A on the plus strand (C>T on the coding strand, the complement: TCF20 is on the minus strand). VCF-style: chr22-42215253-G-A. GRCh37 (hg19) VCF-style: chr22-42611259-G-A.
Other names: c.53C>T, p.Pro18Leu (NM_005650.4, NM_181492.3); short protein forms P18L.
Identifiers: ClinVar variation 1930830 (VCV001930830.5), dbSNP rs1275249255, ClinGen allele CA411793817.